The following is an entry in ClinVar:

NM_022168.4(IFIH1):c.1793G>A (p.Arg598His)

Gene: IFIH1 (interferon induced with helicase C domain 1; minus strand). Cytogenetic location: 2q24.2.
Variant type: single nucleotide variant.
Coding change: c.1793G>A on transcript NM_022168.4 (MANE Select); coding-DNA position 1793, G replaced by A.
Protein change: p.Arg598His; replaces arginine 598 with histidine.
Molecular consequence: missense variant.
Genome position (GRCh38, 1-based): chr2:162,277,666, C>T on the plus strand (G>A on the coding strand, the complement: IFIH1 is on the minus strand). VCF-style: chr2-162277666-C-T. GRCh37 (hg19) VCF-style: chr2-163134176-C-T.
Other names: c.1793G>A, p.Arg598His (LRG_1235t1); short protein forms R598H.
Identifiers: ClinVar variation 548584 (VCV000548584.17), dbSNP rs200945986, ClinGen allele CA1934387.

ClinVar aggregate classification (germline): Conflicting classifications of pathogenicity. Review status: criteria provided, conflicting classifications (1 of 4 stars). 4 submissions from 3 submitters: Uncertain significance (3); Likely benign (1). Last evaluated 2025-12-18.

Conditions:
Aicardi-Goutieres syndrome 7 (AGS7). Identifiers: Orphanet 51, MedGen C3888244, MONDO:0014367, OMIM 615846.
IFIH1-related disorder. Also called: IFIH1-related condition.
Singleton-Merten syndrome 1 (SGMRT1). Also called: Widened medullary cavities of bone, aortic calcification, abnormal dentition, and muscular weakness; Syndrome of widened medullary cavities of the metacarpals and phalanges, aortic calcification and abnormal dentition. Identifiers: Orphanet 85191, MedGen C4225427, MONDO:0024535, OMIM 182250.

Allele frequency attached by ClinVar (database versions not stated): ESP Exome Variant Server 0.00015; TOPMed 0.00015; 1000 Genomes Project 30x 0.00031; 1000 Genomes Project 0.00040; gnomAD exomes 0.00007; ExAC 0.00008; gnomAD 0.00011.
gnomAD v4.1: 77 of 1,604,686 alleles (0.0048%); highest among the groups gnomAD compares: African/African-American, 0.07%; no homozygotes.

Submissions (4):

Labcorp Genetics (formerly Invitae), Labcorp
Classification: Likely benign for Aicardi-Goutieres syndrome 7; Singleton-Merten syndrome 1. Last evaluated: 2025-12-18. Review status: criteria provided, single submitter. Criteria: Invitae Variant Classification Sherloc (09022015). Collection method: clinical testing. Allele origin: germline.

PreventionGenetics, part of Exact Sciences
Classification: Uncertain significance for IFIH1-related condition. Last evaluated: 2025-02-19. Review status: criteria provided, single submitter. Criteria: ACMG Guidelines, 2015. Collection method: clinical testing. Allele origin: germline.
Comment: The IFIH1 c.1793G>A variant is predicted to result in the amino acid substitution p.Arg598His. To our knowledge, this variant has not been reported in the literature. This variant is reported in 0.044% of alleles in individuals of African descent in gnomAD. At this time, the clinical significance of this variant is uncertain due to the absence of conclusive functional and genetic evidence.

Genomic Research Center, Shahid Beheshti University of Medical Sciences
Classification: Uncertain significance for Aicardi-Goutieres syndrome 7. Last evaluated: 2018-03-05. Review status: criteria provided, single submitter. Criteria: ACMG Guidelines, 2015. Collection method: clinical testing. Allele origin: inherited. Affected: yes. Observed: 1 variant allele.

Genomic Research Center, Shahid Beheshti University of Medical Sciences
Classification: Uncertain significance for Singleton-Merten syndrome 1. Last evaluated: 2018-03-05. Review status: criteria provided, single submitter. Criteria: ACMG Guidelines, 2015. Collection method: clinical testing. Allele origin: inherited. Affected: yes. Observed: 1 variant allele.